The following is an entry in ClinVar:

NM_001290060.2(SEMA3B):c.2038G>C (p.Ala680Pro)

Gene: SEMA3B (semaphorin 3B; plus strand). Cytogenetic location: 3p21.31.
Variant type: single nucleotide variant.
Coding change: c.2038G>C on transcript NM_001290060.2 (MANE Select); coding-DNA position 2038, G replaced by C.
Protein change: p.Ala680Pro; replaces alanine 680 with proline.
Molecular consequence: missense variant. On other transcripts: non-coding transcript variant (1).
Genome position (GRCh38, 1-based): chr3:50,276,494, G>C. VCF-style: chr3-50276494-G-C. GRCh37 (hg19) VCF-style: chr3-50313925-G-C.
Other names: c.2035G>C, p.Ala679Pro (NM_001005914.3); c.2053G>C, p.Ala685Pro (NM_001290061.1); c.1009G>C, p.Ala337Pro (NM_001290062.2, NM_001290063.2); c.2038G>C, p.Ala680Pro (NM_004636.4); short protein forms A337P, A679P, A680P, A685P.
Identifiers: ClinVar variation 3348225 (VCV003348225.1).
Genomic context (GRCh38, chr3:50,276,494, plus strand): 5'-CTGCACGTGTTGAGTGCTACGCAGGCCGAACGACTGGCGCGGGCCGAGGAGGCTGCGCCC[G>C]CCGCGCCGCCGGGCCCCAAACTCTGGTACCGGGACTTTCTGCAGCTGGTGGAGCCGGGCG-3'
Protein context (NP_001276989.1, residues 670-690): RLARAEEAAP[Ala680Pro]APPGPKLWYR

ClinVar aggregate classification (germline): Uncertain significance (0 of 4 stars; one submission).

Conditions:
SEMA3B-related disorder. Also called: SEMA3B-related condition.

gnomAD v4.1: 4 of 1,531,582 alleles (0.00026%); highest among the groups gnomAD compares: Admixed American, 0.0079%; no homozygotes.

Submission:

PreventionGenetics, part of Exact Sciences
Classification: Uncertain significance for SEMA3B-related condition. Last evaluated: 2023-12-06. Review status: no assertion criteria provided. Collection method: clinical testing. Allele origin: germline.
Comment: The SEMA3B c.1009G>C variant is predicted to result in the amino acid substitution p.Ala337Pro. To our knowledge, this variant has not been reported in the literature. This variant is reported in 0.0084% of alleles in individuals of Latino descent in gnomAD. At this time, the clinical significance of this variant is uncertain due to the absence of conclusive functional and genetic evidence.